The following continues an entry in ClinVar:

NM_004004.6(GJB2):c.487A>G (p.Met163Val)

Gene: GJB2. ClinVar aggregate classification (germline): Conflicting classifications of pathogenicity. Pathogenic (1); Likely pathogenic (4); Uncertain significance (13).

Submissions 11 to 19 of 19:

Labcorp Genetics (formerly Invitae), Labcorp
Classification: Uncertain significance. Last evaluated: 2022-09-26. Review status: criteria provided, single submitter. Criteria: Invitae Variant Classification Sherloc (09022015). Collection method: clinical testing. Allele origin: germline.
Comment: This sequence change replaces methionine, which is neutral and non-polar, with valine, which is neutral and non-polar, at codon 163 of the GJB2 protein (p.Met163Val). This variant is present in population databases (rs80338949, gnomAD 0.07%). This missense change has been observed in individual(s) with deafness (PMID: 11493200, 12189487, 21281533, 22208444, 26096904). ClinVar contains an entry for this variant (Variation ID: 21388). Advanced modeling of protein sequence and biophysical properties (such as structural, functional, and spatial information, amino acid conservation, physicochemical variation, residue mobility, and thermodynamic stability) has been performed at Invitae for this missense variant, however the output from this modeling did not meet the statistical confidence thresholds required to predict the impact of this variant on GJB2 protein function. Experimental studies have shown that this missense change affects GJB2 function (PMID: 12505163, 28428247). In summary, the available evidence is currently insufficient to determine the role of this variant in disease. Therefore, it has been classified as a Variant of Uncertain Significance.

Laboratory for Molecular Medicine, Mass General Brigham Personalized Medicine
Classification: Uncertain significance. Last evaluated: 2022-06-30. Review status: criteria provided, single submitter. Criteria: ACMG Guidelines, 2015. Collection method: clinical testing. Allele origin: germline.
Comment: The p.Met163Val variant in GJB2 has been identified in >10 probands with non-syndromic hearing loss from several ethnic populations; however, a pathogenic variant on the second allele of GJB2 was not detected in any of these probands (Al-Qahtani 2010, Amorini 2015, Bayazit 2003, Bonyadi 2009, Bonyadi 2014, Chaleshtori 2002, Chaleshtori 2005, Dalamon 2005, Falah 2012, Gunther 2003, Janecke 2002, Mahdieh 2011, Marlin 2001, Padma 2009, Tang 2006, Yilmaz 2010). In two families with post-lingual progressive hearing loss described in one study, two parent-to-child segregations were reported for this variant suggesting that the variant may lead to autosomal dominant hearing loss (Falah 2012). However, the majority of probands in the other studies did not report autosomal dominant inheritance of hearing loss. Two other missense variants at the same amino acid position (p.Met163Leu and p.Met163Thr) have also been reported in individuals with hearing loss, and in vitro functional studies of the p.Met163Val and p.Met163Leu show an impact to the normal activity of the protein due to these variants (Bruzzone 2003, Matos 2008). This data suggests that variants at this amino acid position are not tolerated. The p.Met163Val variant has also been identified 10/16478 South Asian chromosomes by the Exome Aggregation Consortium (ExAC; dbSNP rs80338949); however this frequency is not high enough to rule out pathogenicity. In summary, the presence of the p.Met163Val variant in several affected individuals and the functional data suggests a pathogenic role for the variant, however the clinical significance of this variant cannot be determined with certainty given the absence of a second pathogenic variant in heterozygous probands and limited segregation data. ACMG/AMP Criteria applied:BS1, PP3.

Women's Health and Genetics/Laboratory Corporation of America, LabCorp
Classification: Uncertain significance. Last evaluated: 2021-12-24. Review status: criteria provided, single submitter. Criteria: LabCorp Variant Classification Summary - May 2015. Collection method: clinical testing. Allele origin: germline.
Comment: Variant summary: GJB2 c.487A>G (p.Met163Val) results in a conservative amino acid change located in the extracellular 2 domain (Tang_2006) of the encoded protein sequence. Three of five in-silico tools predict a damaging effect of the variant on protein function. The variant allele was found at a frequency of 0.00014 in 251140 control chromosomes, predominantly at a frequency of 0.00075 within the South Asian subpopulation in the gnomAD database. The observed variant frequency within South Asian control individuals in the gnomAD database is approximately 2.2 fold of the estimated maximal expected allele frequency for a pathogenic variant in GJB2 causing Non-Syndromic Hearing Loss phenotype (0.00034), strongly suggesting that the variant is a benign polymorphism found primarily in populations of South Asian origin. c.487A>G has been reported in the literature as a VUS with a non-informative genotype (i.e., second allele not specified or heterozygous) for a recessive mode of inheritance among individuals with various forms of moderate non sensorineural hearing loss undergoing genetic evaluation in small and large sized gene panels for hearing loss (example, Marlin_2001, Janecke_2002, Bayazit_2003, Tang_2006, Hamid_2009, Padma_2009, Bonyadi_2009, Yilmaz_2010, Al-Qahtani_2010, Mahdieh_2011, Falah_2012, Leone_2017, Buonfiglio_2020, Xie_2021). At-least one individual with moderate hearing loss reported a homozygous genotype although no family history, co-segregation/co-occurrence was specified (Amorini_2015). One family where the variant was transmitted from a father with late onset hearing impairment to two affected siblings with early onset hearing loss reported a possible instance of autosomal dominant transmission with anticipation (Falah_2012). Another report speculates a role in digenic inheritance with synergistic heterozygosity for this variant and variants in the TMPRSS3 gene (Leone_2017). However, a firm conclusion regarding these atypical modes of inheritance remain speculative. These data indicate that the variant may be associated with disease. At least two publications report experimental evidence evaluating an impact on protein function (example, Bruzzone_2003, Press_2017). The most pronounced variant effect results in a complete inability to form homotypic channels since the level of junctional conductance measured never exceeded background values (Bruzzone_2003) and impaired gap junction function (Press_2017). Seven clinical diagnostic laboratories have submitted clinical-significance assessments for this variant to ClinVar after 2014 with a predominant consensus as VUS (n=6) (likely pathogenic, n=1). Some submitters cite overlapping evidence utilized in the context of this evaluation and the prevailing interpretation even in most recent publications remains as VUS (example, Buonfiglio_2020). Based on the evidence outlined above, the variant was classified as uncertain significance.

Genome-Nilou Lab
Classification: Uncertain significance for Autosomal dominant nonsyndromic hearing loss 3A. Last evaluated: 2021-09-05. Review status: criteria provided, single submitter. Criteria: ACMG Guidelines, 2015. Collection method: clinical testing. Allele origin: germline. Affected: no.

Genome-Nilou Lab
Classification: Uncertain significance for Autosomal recessive nonsyndromic hearing loss 1A. Last evaluated: 2021-07-22. Review status: criteria provided, single submitter. Criteria: ACMG Guidelines, 2015. Collection method: clinical testing. Allele origin: germline. Affected: no.

Department of Otolaryngology – Head & Neck Surgery, Cochlear Implant Center
Classification: Likely pathogenic for Hearing impairment. Last evaluated: 2021-04-12. Review status: criteria provided, single submitter. Criteria: ClinGen HL ACMG Specifications v1. Collection method: clinical testing. Allele origin: germline. Affected: yes.
Comment: PS1_Strong, PM2_Moderate, PM5_Moderate, PP3_Supporting

INGEBI, INGEBI / CONICET
Classification: Uncertain significance for Nonsyndromic hearing loss and deafness. Last evaluated: 2020-08-31. Review status: criteria provided, single submitter. Criteria: ClinGen HL ACMG Specifications v1. Collection method: clinical testing. Allele origin: germline. Affected: yes. Observed: 2 variant alleles, 2 heterozygotes. Clinical features observed: Postlingual profound bilateral hearing loss.
Comment: Based on ACMG/AMP guidelines and Hearing Loss Expert Panel specific criteria: the filtering allele frequency of c.487A>G, p.Met163Val variant in GJB2 gene is 0,05% (23/30604 South Asian alleles with 95%CI) from Genome Aggregation Database (calculated by using inverse allele frequency at an online resource) which meets the criteria to apply to PM2_Supporting rule. Computational evidence predicted a pathogenic effect of the mutation to the protein (REVELscore: 0.869) applying to PP3 criteria. The p.Met163Val change has been identified only in heterozygous state in several patients (PMID: 11493200, 14643477, 15964725, 12189487, 12872268). Besides, in two familial cases this variant segregate in two affected individuals and their affected fathers (PMID:22208444). So, this evidence is not enough to be counted. On the other hand, p.Met163Val change was identified in homozygous state in a control subject meeting BS2 rule (PMID: 20086291). Functional studies demonstrated a highly reduction of dye transfer of p.Met163Val mutant in HeLa cells (PMID:28428247). Besides, it was shown that this mutant was unable to form functional gap junction channels in Xenopus Laevis oocytes (PMID:12505163). Hence, PS3_Moderate criteria was applied. In summary, the clinical significance of this variant is currently uncertain (PM2_Supporting, PP3, PS3_Moderate, BS2).

Kariminejad - Najmabadi Pathology & Genetics Center
Classification: Likely pathogenic for Autosomal recessive nonsyndromic hearing loss 1A. Review status: criteria provided, single submitter. Criteria: ACMG Guidelines, 2015. Collection method: clinical testing. Allele origin: germline. Affected: no.

GeneReviews
No classification provided. Condition: Autosomal recessive nonsyndromic hearing loss 1A. Review status: no classification provided. Collection method: literature only. Allele origin: unknown. Not counted in ClinVar's aggregate classification.

Literature cited by the submitters: PubMed 11493200 (cited by 5 submitters); PubMed 12189487 (cited by 5 submitters); PubMed 12505163 (cited by 5 submitters); PubMed 17041943 (cited by 3 submitters); PubMed 19929407 (cited by 3 submitters); PubMed 20086306 (cited by Myriad Genetics, Inc. and Women's Health and Genetics/Laboratory Corporation of America, LabCorp); PubMed 21388256 (cited by 3 submitters); PubMed 22208444 (cited by 5 submitters); PubMed 22363784 (cited by Myriad Genetics, Inc.); PubMed 23504403 (cited by Myriad Genetics, Inc.); PubMed 24529908 (cited by Myriad Genetics, Inc. and Laboratory for Molecular Medicine, Mass General Brigham Personalized Medicine); PubMed 25555641 (cited by Myriad Genetics, Inc.); PubMed 26096904 (cited by 4 submitters); PubMed 26409293 (cited by Myriad Genetics, Inc.); PubMed 26889084 (cited by Myriad Genetics, Inc.); PubMed 28428247 (cited by 4 submitters); PubMed 30989077 (cited by Myriad Genetics, Inc.); PubMed 31620696 (cited by Myriad Genetics, Inc.); PubMed 33096615 (cited by Myriad Genetics, Inc. and Women's Health and Genetics/Laboratory Corporation of America, LabCorp); PubMed 34753855 (cited by Myriad Genetics, Inc.); PubMed 36672810 (cited by Myriad Genetics, Inc.); PubMed 37561809 (cited by Myriad Genetics, Inc.); PubMed 38486023 (cited by Myriad Genetics, Inc.); PubMed 21281533 (cited by Labcorp Genetics (formerly Invitae), Labcorp); PubMed 14643477 (cited by 4 submitters); PubMed 15964725 (cited by Laboratory for Molecular Medicine, Mass General Brigham Personalized Medicine and INGEBI, INGEBI / CONICET); PubMed 12872268 (cited by Laboratory for Molecular Medicine, Mass General Brigham Personalized Medicine and INGEBI, INGEBI / CONICET); PubMed 20086291 (cited by 3 submitters); PubMed 19715472 (cited by Laboratory for Molecular Medicine, Mass General Brigham Personalized Medicine and Women's Health and Genetics/Laboratory Corporation of America, LabCorp); PubMed 16380907 (cited by Laboratory for Molecular Medicine, Mass General Brigham Personalized Medicine and GeneReviews); PubMed 19941053 (cited by Laboratory for Molecular Medicine, Mass General Brigham Personalized Medicine and Women's Health and Genetics/Laboratory Corporation of America, LabCorp); PubMed 28263784 (cited by Women's Health and Genetics/Laboratory Corporation of America, LabCorp); PubMed 34335733 (cited by Women's Health and Genetics/Laboratory Corporation of America, LabCorp); PubMed 20301449 (cited by GeneReviews); NCBI Bookshelf NBK1272 (cited by GeneReviews).